The following is an entry in ClinVar:

ClinVar aggregate classification (germline): Likely pathogenic (1 of 4 stars; one submission).

Allele frequency attached by ClinVar (database versions not stated): ExAC 0.00001; gnomAD exomes 0.00001; TOPMed 0.00001.
gnomAD v4.1: 4 of 1,612,182 alleles (0.00025%); highest among the groups gnomAD compares: Admixed American, 0.005%; no homozygotes.

Submission:

Labcorp Genetics (formerly Invitae), Labcorp
Classification: Likely pathogenic. Last evaluated: 2024-12-02. Review status: criteria provided, single submitter. Criteria: Invitae Variant Classification Sherloc (09022015). Collection method: clinical testing. Allele origin: germline.
Comment: This sequence change affects an acceptor splice site in intron 21 of the VARS2 gene. It is expected to disrupt RNA splicing. Variants that disrupt the donor or acceptor splice site typically lead to a loss of protein function (PMID: 16199547), and loss-of-function variants in VARS2 are known to be pathogenic (PMID: 29313548). This variant is present in population databases (rs759199684, gnomAD 0.006%). This variant has not been reported in the literature in individuals affected with VARS2-related conditions. ClinVar contains an entry for this variant (Variation ID: 2414288). Algorithms developed to predict the effect of sequence changes on RNA splicing suggest that this variant may disrupt the consensus splice site. In summary, the currently available evidence indicates that the variant is pathogenic, but additional data are needed to prove that conclusively. Therefore, this variant has been classified as Likely Pathogenic.

Literature cited by the submitters: PubMed 16199547; PubMed 29313548.

NM_020442.6(VARS2):c.2038-2A>G

Genes: VARS2 (valyl-tRNA synthetase 2, mitochondrial; plus strand), LOC126859646 (MED14-independent group 3 enhancer GRCh37_chr6:30889690-30890889; plus strand). Cytogenetic location: 6p21.33.
Variant type: single nucleotide variant.
Coding change: c.2038-2A>G on transcript NM_020442.6 (MANE Select); the canonical splice acceptor site of the intron before coding-DNA position 2038, A replaced by G.
Molecular consequence: splice acceptor variant.
Genome position (GRCh38, 1-based): chr6:30,922,704, A>G. VCF-style: chr6-30922704-A-G. GRCh37 (hg19) VCF-style: chr6-30890481-A-G.
Other names: c.2128-2A>G (NM_001167734.2); c.1618-2A>G (NM_001167733.3).
Identifiers: ClinVar variation 2414288 (VCV002414288.8), dbSNP rs759199684, ClinGen allele CA3706145.